The following is an entry in ClinVar:

NM_001374828.1(ARID1B):c.2932C>T (p.Pro978Ser)

Gene: ARID1B (AT-rich interaction domain 1B; plus strand). Cytogenetic location: 6q25.3.
Variant type: single nucleotide variant.
Coding change: c.2932C>T on transcript NM_001374828.1 (MANE Select); coding-DNA position 2932, C replaced by T.
Protein change: p.Pro978Ser; replaces proline 978 with serine.
Molecular consequence: missense variant.
Genome position (GRCh38, 1-based): chr6:157,148,794, C>T. VCF-style: chr6-157148794-C-T. GRCh37 (hg19) VCF-style: chr6-157469928-C-T.
Other names: c.2683C>T, p.Pro895Ser (NM_001346813.1); c.433C>T, p.Pro145Ser (NM_001363725.2); c.2971C>T, p.Pro991Ser (NM_001371656.1, NM_001374820.1); c.2932C>T, p.Pro978Ser (NM_017519.3); c.2722C>T, p.Pro908Ser (NM_020732.3); c.2509C>T, p.Pro837Ser (NM_175863.2); short protein forms P837S, P895S, P991S, P145S, P908S, P978S.
Identifiers: ClinVar variation 2004457 (VCV002004457.4), dbSNP rs1789983700, ClinGen allele CA366388969.

ClinVar aggregate classification (germline): Uncertain significance (1 of 4 stars; one submission).

Allele frequency attached by ClinVar (database versions not stated): gnomAD exomes below 0.00001.

Submission:

Labcorp Genetics (formerly Invitae), Labcorp
Classification: Uncertain significance. Last evaluated: 2023-08-04. Review status: criteria provided, single submitter. Criteria: Invitae Variant Classification Sherloc (09022015). Collection method: clinical testing. Allele origin: germline.
Comment: In summary, the available evidence is currently insufficient to determine the role of this variant in disease. Therefore, it has been classified as a Variant of Uncertain Significance. Advanced modeling of protein sequence and biophysical properties (such as structural, functional, and spatial information, amino acid conservation, physicochemical variation, residue mobility, and thermodynamic stability) has been performed at Invitae for this missense variant, however the output from this modeling did not meet the statistical confidence thresholds required to predict the impact of this variant on ARID1B protein function. ClinVar contains an entry for this variant (Variation ID: 2004457). This variant has not been reported in the literature in individuals affected with ARID1B-related conditions. This variant is not present in population databases (gnomAD no frequency). This sequence change replaces proline, which is neutral and non-polar, with serine, which is neutral and polar, at codon 908 of the ARID1B protein (p.Pro908Ser).